The following is an entry in ClinVar:

ClinVar aggregate classification (germline): Conflicting classifications of pathogenicity. Review status: criteria provided, conflicting classifications (1 of 4 stars). 2 submissions from 2 submitters: Uncertain significance (1); Likely benign (1). Last evaluated 2023-05-16.

Conditions:
Hereditary spastic paraplegia 73. Also called: Spastic paraplegia 73, autosomal dominant. Identifiers: Orphanet 444099, MedGen C5568981, MONDO:0014568, OMIM 616282.

Allele frequency attached by ClinVar (database versions not stated): gnomAD 0.00001; TOPMed 0.00001; gnomAD exomes 0.00002; ExAC 0.00003.
gnomAD v4.1: 23 of 1,523,668 alleles (0.0015%); highest among the groups gnomAD compares: East Asian, 0.0075%; no homozygotes.

Submissions (2):

Labcorp Genetics (formerly Invitae), Labcorp
Classification: Uncertain significance for Hereditary spastic paraplegia 73. Last evaluated: 2023-05-16. Review status: criteria provided, single submitter. Criteria: Invitae Variant Classification Sherloc (09022015). Collection method: clinical testing. Allele origin: germline.
Comment: This variant is present in population databases (rs770799285, gnomAD 0.02%). This variant has not been reported in the literature in individuals affected with CPT1C-related conditions. Algorithms developed to predict the effect of sequence changes on RNA splicing suggest that this variant may create or strengthen a splice site. In summary, the available evidence is currently insufficient to determine the role of this variant in disease. Therefore, it has been classified as a Variant of Uncertain Significance. This sequence change affects codon 411 of the CPT1C mRNA. It is a 'silent' change, meaning that it does not change the encoded amino acid sequence of the CPT1C protein.

Blueprint Genetics
Classification: Likely benign. Last evaluated: 2022-12-07. Review status: criteria provided, single submitter. Criteria: ACMG Guidelines, 2015. Collection method: clinical testing. Allele origin: germline.

NM_001199753.2(CPT1C):c.1266G>A (p.Ala422=)

Gene: CPT1C (carnitine palmitoyltransferase 1C; plus strand). Cytogenetic location: 19q13.33.
Variant type: single nucleotide variant.
Coding change: c.1266G>A on transcript NM_001199753.2 (MANE Select); coding-DNA position 1266, G replaced by A.
Protein change: p.Ala422=; no amino-acid change (alanine 422 retained).
Molecular consequence: synonymous variant. On other transcripts: non-coding transcript variant (1).
Genome position (GRCh38, 1-based): chr19:49,706,336, G>A. VCF-style: chr19-49706336-G-A. GRCh37 (hg19) VCF-style: chr19-50209593-G-A.
Other names: c.1233G>A, p.Ala411= (NM_001136052.3, NM_001378485.1, NM_001378487.1); c.1266G>A, p.Ala422= (NM_001199752.3, NM_001378483.1, NM_001378484.1 and 3 more transcripts); c.1332G>A, p.Ala444= (NM_001378482.1).
Identifiers: ClinVar variation 2904729 (VCV002904729.4), dbSNP rs770799285, ClinGen allele CA9582130.